The following is an entry in ClinVar:

NM_080473.5(GATA5):c.3G>A (p.Met1Ile)

Gene: GATA5 (GATA binding protein 5; minus strand). Cytogenetic location: 20q13.33.
Variant type: single nucleotide variant.
Coding change: c.3G>A on transcript NM_080473.5 (MANE Select); coding-DNA position 3, G replaced by A.
Protein change: p.Met1Ile; changes the start codon (methionine 1).
Molecular consequence: missense variant, initiator codon variant.
Genome position (GRCh38, 1-based): chr20:62,475,519, C>T on the plus strand (G>A on the coding strand, the complement: GATA5 is on the minus strand). VCF-style: chr20-62475519-C-T. GRCh37 (hg19) VCF-style: chr20-61050575-C-T.
Other names: short protein forms M1I.
Identifiers: ClinVar variation 1376885 (VCV001376885.8), dbSNP rs2146491023, ClinGen allele CA409558165.

ClinVar aggregate classification (germline): Uncertain significance (1 of 4 stars; one submission).

Allele frequency attached by ClinVar (database versions not stated): gnomAD exomes below 0.00001.

Submission:

Labcorp Genetics (formerly Invitae), Labcorp
Classification: Uncertain significance. Last evaluated: 2022-05-05. Review status: criteria provided, single submitter. Criteria: Invitae Variant Classification Sherloc (09022015). Collection method: clinical testing. Allele origin: germline.
Comment: In summary, the available evidence is currently insufficient to determine the role of this variant in disease. Therefore, it has been classified as a Variant of Uncertain Significance. This variant has not been reported in the literature in individuals affected with GATA5-related conditions. This variant is not present in population databases (gnomAD no frequency). This sequence change affects the initiator methionine of the GATA5 mRNA. The next in-frame methionine is located at codon 32.